The following is an entry in ClinVar:

ClinVar aggregate classification (germline): Benign (1 of 4 stars; one submission).

gnomAD v4.1: 137,206 of 151,950 alleles (90%); highest among the groups gnomAD compares: East Asian, 100%; 62,135 homozygotes.

Submission:

Unidad de Genómica Garrahan, Hospital de Pediatría Garrahan
Classification: Benign. Last evaluated: 2024-07-31. Review status: criteria provided, single submitter. Criteria: ACMG Guidelines, 2015. Collection method: clinical testing. Allele origin: germline. Affected: no. Observed: 73 variant alleles.
Comment: This variant is classified as Benign based on local population frequency. This variant was detected in 78% of patients studied in a panel designed for Epileptic and Developmental Encephalopathy, Progressive Myoclonus Epilepsy and Abnormal Movements and Neurodegeneration with brain iron accumulation. Number of patients: 73. Only high quality variants are reported.

NM_033453.4(ITPA):c.412-521C>T

Gene: ITPA (inosine triphosphatase; plus strand). Cytogenetic location: 20p13.
Variant type: single nucleotide variant.
Coding change: c.412-521C>T on transcript NM_033453.4 (MANE Select); 521 bases into the intron before coding-DNA position 412, C replaced by T.
Molecular consequence: intron variant.
Genome position (GRCh38, 1-based): chr20:3,221,320, C>T. VCF-style: chr20-3221320-C-T. GRCh37 (hg19) VCF-style: chr20-3201966-C-T.
Other names: c.538-521C>T (NM_001424409.1); c.75-521C>T (NM_001324237.2, NM_001324238.2, NM_001324236.2 and 1 more transcripts); c.411+2688C>T (NM_001324240.2); c.412-100C>T (NM_001424408.1); c.289-521C>T (NM_001267623.2); c.361-521C>T (NM_181493.4).
Identifiers: ClinVar variation 3256850 (VCV003256850.2).